The following is an entry in ClinVar:

NM_000217.3(KCNA1):c.673del (p.Glu225fs)

Gene: KCNA1 (potassium voltage-gated channel subfamily A member 1; plus strand). Cytogenetic location: 12p13.32.
Variant type: Deletion.
Coding change: c.673del on transcript NM_000217.3 (MANE Select); coding-DNA position 673, one base deleted (G; older notation c.673delG).
Protein change: p.Glu225fs; shifts the reading frame from glutamic acid 225.
Molecular consequence: frameshift variant.
Genome position (GRCh38, 1-based): chr12:4,912,051, G deleted; the last of 2 consecutive G bases (chr12:4,912,050-4,912,051); deleting either gives the same sequence. VCF-style (leftmost placement, unchanged base first): chr12-4912049-TG-T. GRCh37 (hg19) VCF-style: chr12-5021215-TG-T.
Other names: short protein forms E225fs.
Identifiers: ClinVar variation 3899627 (VCV003899627.1).
Genomic context (GRCh38, chr12:4,912,049, plus strand): 5'-GCATCGACAACACCACGGTCATCTACAATTCCAACATCTTCACAGACCCCTTCTTCATCG[TG>T]GAAACGCTGTGTATCATCTGGTTCTCCTTCGAGCTGGTGGTGCGCTTCTTCGCCTGCCCC-3'

ClinVar aggregate classification (germline): Uncertain significance (1 of 4 stars; one submission).

Submission:

GeneDx
Classification: Uncertain significance. Last evaluated: 2024-11-15. Review status: criteria provided, single submitter. Criteria: GeneDx Variant Classification Process June 2021. Collection method: clinical testing. Allele origin: germline. Affected: yes.
Comment: Not observed at significant frequency in large population cohorts (gnomAD); Frameshift variant predicted to result in abnormal protein length as the last 271 amino acids are replaced with 29 different amino acids; Has not been previously published as pathogenic or benign to our knowledge